The following is an entry in ClinVar:

NM_052947.4(ALPK2):c.283A>T (p.Met95Leu)

Gene: ALPK2 (alpha kinase 2; minus strand). Cytogenetic location: 18q21.31.
Variant type: single nucleotide variant.
Coding change: c.283A>T on transcript NM_052947.4 (MANE Select); coding-DNA position 283, A replaced by T.
Protein change: p.Met95Leu; replaces methionine 95 with leucine.
Molecular consequence: missense variant.
Genome position (GRCh38, 1-based): chr18:58,580,493, T>A on the plus strand (A>T on the coding strand, the complement: ALPK2 is on the minus strand). VCF-style: chr18-58580493-T-A. GRCh37 (hg19) VCF-style: chr18-56247725-T-A.
Other names: short protein forms M95L.
Identifiers: ClinVar variation 2497262 (VCV002497262.2), dbSNP rs2518900445, ClinGen allele CA402568321.

ClinVar aggregate classification (germline): Uncertain significance (1 of 4 stars; one submission).

Submission:

Ambry Genetics
Classification: Uncertain significance. Last evaluated: 2022-11-03. Review status: criteria provided, single submitter. Criteria: Ambry Variant Classification Scheme 2023. Collection method: clinical testing. Allele origin: germline.
Comment: The p.M95L variant (also known as c.283A>T), located in coding exon 3 of the ALPK2 gene, results from an A to T substitution at nucleotide position 283. The methionine at codon 95 is replaced by leucine, an amino acid with highly similar properties. This amino acid position is conserved. In addition, this alteration is predicted to be tolerated by in silico analysis. Since supporting evidence is limited at this time, the clinical significance of this alteration remains unclear.